The following is an entry in ClinVar:

NM_000540.3(RYR1):c.13589C>T (p.Pro4530Leu)

Gene: RYR1 (ryanodine receptor 1; plus strand). Cytogenetic location: 19q13.2.
Variant type: single nucleotide variant.
Coding change: c.13589C>T on transcript NM_000540.3 (MANE Select); coding-DNA position 13589, C replaced by T.
Protein change: p.Pro4530Leu; replaces proline 4530 with leucine.
Molecular consequence: missense variant.
Genome position (GRCh38, 1-based): chr19:38,567,847, C>T. VCF-style: chr19-38567847-C-T. GRCh37 (hg19) VCF-style: chr19-39058487-C-T.
Other names: c.13589C>T (NM_000540.2); c.13574C>T, p.Pro4525Leu (NM_001042723.2); short protein forms P4525L, P4530L.
Identifiers: ClinVar variation 1059214 (VCV001059214.10), dbSNP rs754384042, ClinGen allele CA060208.

ClinVar aggregate classification (germline): Uncertain significance. Review status: criteria provided, multiple submitters, no conflicts (2 of 4 stars). 4 submissions from 4 submitters: Uncertain significance (4). Last evaluated 2025-03-28.

Conditions:
Inborn genetic diseases. Identifiers: MedGen C0950123, MeSH D030342.
RYR1-related disorder. Also called: RYR1-related disorders; RYR1-related condition. Identifiers: MedGen CN239331.
Malignant hyperthermia, susceptibility to, 1 (MHS1). Also called: RYR1-Related Malignant Hyperthermia Susceptibility; Anesthesia related hyperthermia; Malignant hyperpyrexia; Fulminating hyperpyrexia; Pharmacogenic myopathy; Malignant hyperthermia suceptibility 1. Identifiers: Orphanet 423, MedGen C2930980, MONDO:0007783, OMIM 145600.

Allele frequency attached by ClinVar (database versions not stated): ExAC 0.00001; gnomAD exomes 0.00001.
gnomAD v4.1: 12 of 1,614,142 alleles (0.00074%); highest among the groups gnomAD compares: South Asian, 0.0044%; no homozygotes.

Submissions (4):

Revvity Omics, Revvity
Classification: Uncertain significance. Last evaluated: 2025-03-28. Review status: criteria provided, single submitter. Criteria: ACMG Guidelines, 2015. Collection method: clinical testing. Allele origin: germline.

Color Diagnostics, LLC DBA Color Health
Classification: Uncertain significance for Malignant hyperthermia, susceptibility to, 1. Last evaluated: 2023-11-29. Review status: criteria provided, single submitter. Criteria: ACMG Guidelines, 2015. Collection method: clinical testing. Allele origin: germline.
Comment: This missense variant replaces proline with leucine at codon 4530 of the RYR1 protein. Computational prediction suggests that this variant may not impact protein structure and function. To our knowledge, functional studies have not been reported for this variant. This variant has not been reported in individuals affected with RYR1-related disorders in the literature. This variant has been identified in 2/249018 chromosomes in the general population by the Genome Aggregation Database (gnomAD). The available evidence is insufficient to determine the role of this variant in disease conclusively. Therefore, this variant is classified as a Variant of Uncertain Significance.

Ambry Genetics
Classification: Uncertain significance for Inborn genetic diseases. Last evaluated: 2023-06-01. Review status: criteria provided, single submitter. Criteria: Ambry Variant Classification Scheme 2023. Collection method: clinical testing. Allele origin: germline.

Labcorp Genetics (formerly Invitae), Labcorp
Classification: Uncertain significance for RYR1-related disorder. Last evaluated: 2021-08-30. Review status: criteria provided, single submitter. Criteria: Invitae Variant Classification Sherloc (09022015). Collection method: clinical testing. Allele origin: germline.
Comment: This sequence change replaces proline with leucine at codon 4530 of the RYR1 protein (p.Pro4530Leu). The proline residue is moderately conserved and there is a moderate physicochemical difference between proline and leucine. This variant is present in population databases (rs754384042, ExAC 0.006%). This variant has not been reported in the literature in individuals affected with RYR1-related conditions. Algorithms developed to predict the effect of missense changes on protein structure and function are either unavailable or do not agree on the potential impact of this missense change (SIFT: "Deleterious"; PolyPhen-2: "Not Available"; Align-GVGD: "Class C0"). In summary, the available evidence is currently insufficient to determine the role of this variant in disease. Therefore, it has been classified as a Variant of Uncertain Significance.